The following is an entry in ClinVar:

NM_203447.4(DOCK8):c.6023G>A (p.Arg2008Gln)

Gene: DOCK8 (dedicator of cytokinesis 8; plus strand). Cytogenetic location: 9p24.3.
Variant type: single nucleotide variant.
Coding change: c.6023G>A on transcript NM_203447.4 (MANE Select); coding-DNA position 6023, G replaced by A.
Protein change: p.Arg2008Gln; replaces arginine 2008 with glutamine.
Molecular consequence: missense variant.
Genome position (GRCh38, 1-based): chr9:452,072, G>A. VCF-style: chr9-452072-G-A. GRCh37 (hg19) VCF-style: chr9-452072-G-A.
Other names: c.5723G>A, p.Arg1908Gln (NM_001190458.2); c.5819G>A, p.Arg1940Gln (NM_001193536.2); short protein forms R1908Q, R1940Q, R2008Q.
Identifiers: ClinVar variation 1353553 (VCV001353553.8), dbSNP rs1157179354, ClinGen allele CA372769754.

ClinVar aggregate classification (germline): Uncertain significance (1 of 4 stars; one submission).

Conditions:
Combined immunodeficiency due to DOCK8 deficiency (HIES2). Also called: HYPER-IgE RECURRENT INFECTION SYNDROME 2, AUTOSOMAL RECESSIVE; HYPER-IgE SYNDROME 2, AUTOSOMAL RECESSIVE, WITH RECURRENT INFECTIONS; HIES autosomal recessive; DOCK8 Deficiency; Hyper-IgE recurrent infection syndrome, autosomal recessive. Identifiers: Orphanet 217390, MedGen C4722305, MONDO:0009478, OMIM 243700.

Allele frequency attached by ClinVar (database versions not stated): gnomAD 0.00001; gnomAD exomes 0.00002.
gnomAD v4.1: 23 of 1,598,646 alleles (0.0014%); highest among the groups gnomAD compares: African/African-American, 0.0028%; no homozygotes.

Submission:

Labcorp Genetics (formerly Invitae), Labcorp
Classification: Uncertain significance for Combined immunodeficiency due to DOCK8 deficiency. Last evaluated: 2022-01-14. Review status: criteria provided, single submitter. Criteria: Invitae Variant Classification Sherloc (09022015). Collection method: clinical testing. Allele origin: germline.
Comment: In summary, the available evidence is currently insufficient to determine the role of this variant in disease. Therefore, it has been classified as a Variant of Uncertain Significance. Algorithms developed to predict the effect of missense changes on protein structure and function are either unavailable or do not agree on the potential impact of this missense change (SIFT: "Deleterious"; PolyPhen-2: "Probably Damaging"; Align-GVGD: "Class C0"). This variant has not been reported in the literature in individuals affected with DOCK8-related conditions. This variant is present in population databases (no rsID available, gnomAD 0.004%). This sequence change replaces arginine, which is basic and polar, with glutamine, which is neutral and polar, at codon 2008 of the DOCK8 protein (p.Arg2008Gln).